The following is an entry in ClinVar:

ClinVar aggregate classification (germline): Benign. Review status: criteria provided, multiple submitters, no conflicts (2 of 4 stars). 3 submissions from 3 submitters: Benign (3). Last evaluated 2026-01-27.

Allele frequency attached by ClinVar (database versions not stated): gnomAD exomes 0.00080 and 0.00221; ExAC 0.00283; gnomAD 0.00866 and 0.00933; 1000 Genomes Project 0.00958; TOPMed 0.01016; ESP Exome Variant Server 0.01069; 1000 Genomes Project 30x 0.01077.
gnomAD v4.1: 2,557 of 1,614,176 alleles (0.16%); highest among the groups gnomAD compares: African/African-American, 2.9%; 35 homozygotes.

Submissions (7):

Labcorp Genetics (formerly Invitae), Labcorp
Classification: Benign. Last evaluated: 2026-01-27. Review status: criteria provided, single submitter. Criteria: Invitae Variant Classification Sherloc (09022015). Collection method: clinical testing. Allele origin: germline.

GeneDx
Classification: Benign. Last evaluated: 2016-10-06. Review status: criteria provided, single submitter. Criteria: GeneDx Variant Classification (06012015). Collection method: clinical testing. Allele origin: germline. Affected: yes.
Comment: This variant is considered likely benign or benign based on one or more of the following criteria: it is a conservative change, it occurs at a poorly conserved position in the protein, it is predicted to be benign by multiple in silico algorithms, and/or has population frequency not consistent with disease.

Breakthrough Genomics
Classification: Benign. Review status: criteria provided, single submitter. Criteria: ACMG Guidelines, 2015. Collection method: not provided. Allele origin: germline. Inheritance: Autosomal recessive inheritance. Affected: yes.

Dr. Peter K. Rogan Lab, Western University
No classification provided (evidence only). Condition: Clear cell carcinoma of kidney. Review status: no classification provided. Collection method: in vitro. Allele origin: not applicable. Functional consequence: skipped exon. Not counted in ClinVar's aggregate classification.

Dr. Peter K. Rogan Lab, Western University
No classification provided (evidence only). Condition: Uterine corpus endometrial carcinoma. Review status: no classification provided. Collection method: in vitro. Allele origin: not applicable. Functional consequence: retained intron. Not counted in ClinVar's aggregate classification.

Dr. Peter K. Rogan Lab, Western University
No classification provided (evidence only). Condition: Sarcoma. Review status: no classification provided. Collection method: in vitro. Allele origin: not applicable. Functional consequence: skipped exon, retained intron. Not counted in ClinVar's aggregate classification.

Dr. Peter K. Rogan Lab, Western University
No classification provided (evidence only). Condition: Ovarian serous cystadenocarcinoma. Review status: no classification provided. Collection method: in vitro. Allele origin: not applicable. Functional consequence: retained intron. Not counted in ClinVar's aggregate classification.

NM_002291.3(LAMB1):c.3447C>T (p.Gly1149=)

Gene: LAMB1 (laminin subunit beta 1; minus strand). Cytogenetic location: 7q31.1.
Variant type: single nucleotide variant.
Coding change: c.3447C>T on transcript NM_002291.3 (MANE Select); coding-DNA position 3447, C replaced by T.
Protein change: p.Gly1149=; no amino-acid change (glycine 1149 retained).
Molecular consequence: synonymous variant.
Genome position (GRCh38, 1-based): chr7:107,940,303, G>A on the plus strand (C>T on the coding strand, the complement: LAMB1 is on the minus strand). VCF-style: chr7-107940303-G-A. GRCh37 (hg19) VCF-style: chr7-107580748-G-A.
Identifiers: ClinVar variation 389712 (VCV000389712.14), dbSNP rs115436001, ClinGen allele CA4435306.